The following is an entry in ClinVar:

NM_002439.5(MSH3):c.1474A>C (p.Ile492Leu)

Gene: MSH3 (mutS homolog 3; plus strand). Cytogenetic location: 5q14.1.
Variant type: single nucleotide variant.
Coding change: c.1474A>C on transcript NM_002439.5 (MANE Select); coding-DNA position 1474, A replaced by C.
Protein change: p.Ile492Leu; replaces isoleucine 492 with leucine.
Molecular consequence: missense variant.
Genome position (GRCh38, 1-based): chr5:80,728,871, A>C. VCF-style: chr5-80728871-A-C. GRCh37 (hg19) VCF-style: chr5-80024690-A-C.
Other names: short protein forms I492L.
Identifiers: ClinVar variation 1421914 (VCV001421914.8), dbSNP rs2112857836, ClinGen allele CA360274180.
Genomic context (GRCh38, chr5:80,728,871, plus strand): 5'-AAAGAATTTTTATAACAAGTTAATATATTCTGTTTTCTAGGTTCTCAAATTATTTCTGGC[A>C]TTGTTAACTTAGAGAAGCCTGTGATTTGCTCTTTGGCTGCCATCATAAAATACCTCAAAG-3'
Protein context (NP_002430.3, residues 482-502): DIKGSQIISG[Ile492Leu]VNLEKPVICS

ClinVar aggregate classification (germline): Uncertain significance (1 of 4 stars; one submission).

Submission:

Labcorp Genetics (formerly Invitae), Labcorp
Classification: Uncertain significance. Last evaluated: 2023-08-04. Review status: criteria provided, single submitter. Criteria: Invitae Variant Classification Sherloc (09022015). Collection method: clinical testing. Allele origin: germline.
Comment: In summary, the available evidence is currently insufficient to determine the role of this variant in disease. Therefore, it has been classified as a Variant of Uncertain Significance. This sequence change replaces isoleucine, which is neutral and non-polar, with leucine, which is neutral and non-polar, at codon 492 of the MSH3 protein (p.Ile492Leu). This variant is not present in population databases (gnomAD no frequency). This variant has not been reported in the literature in individuals affected with MSH3-related conditions. ClinVar contains an entry for this variant (Variation ID: 1421914). An algorithm developed to predict the effect of missense changes on protein structure and function (PolyPhen-2) suggests that this variant is likely to be tolerated.